The following is an entry in ClinVar:

ClinVar aggregate classification (germline): Uncertain significance. Review status: criteria provided, multiple submitters, no conflicts (2 of 4 stars). 2 submissions from 2 submitters: Uncertain significance (2). Last evaluated 2025-10-24.

Conditions:
Autoinflammatory syndrome. Identifiers: Orphanet 93665, MedGen C3890737, MONDO:0019751.
Familial cold autoinflammatory syndrome 2 (FCAS2). Identifiers: Orphanet 247868, MedGen C2673198, MONDO:0012724, OMIM 611762.

gnomAD v4.1: 2 of 1,613,984 alleles (0.00012%); highest among the groups gnomAD compares: South Asian, 0.0011%; no homozygotes.

Submissions (2):

Labcorp Genetics (formerly Invitae), Labcorp
Classification: Uncertain significance for Familial cold autoinflammatory syndrome 2. Last evaluated: 2025-10-24. Review status: criteria provided, single submitter. Criteria: Invitae Variant Classification Sherloc (09022015). Collection method: clinical testing. Allele origin: germline.
Comment: This sequence change replaces glycine, which is neutral and non-polar, with serine, which is neutral and polar, at codon 824 of the NLRP12 protein (p.Gly824Ser). This variant is present in population databases (rs372647059, gnomAD 0.003%). This variant has not been reported in the literature in individuals affected with NLRP12-related conditions. ClinVar contains an entry for this variant (Variation ID: 1694412). An algorithm developed to predict the effect of missense changes on protein structure and function outputs the following: PolyPhen-2: "Benign". The serine amino acid residue is found in multiple mammalian species, which suggests that this missense change does not adversely affect protein function. In summary, the available evidence is currently insufficient to determine the role of this variant in disease. Therefore, it has been classified as a Variant of Uncertain Significance.

Genome Diagnostics Laboratory, The Hospital for Sick Children
Classification: Uncertain significance for Autoinflammatory syndrome. Last evaluated: 2021-01-13. Review status: criteria provided, single submitter. Criteria: ACMG Guidelines, 2015. Collection method: clinical testing. Allele origin: germline. Affected: yes.

NM_144687.4(NLRP12):c.2470G>A (p.Gly824Ser)

Gene: NLRP12 (NLR family pyrin domain containing 12; minus strand). Cytogenetic location: 19q13.42.
Variant type: single nucleotide variant.
Coding change: c.2470G>A on transcript NM_144687.4 (MANE Select); coding-DNA position 2470, G replaced by A.
Protein change: p.Gly824Ser; replaces glycine 824 with serine.
Molecular consequence: missense variant.
Genome position (GRCh38, 1-based): chr19:53,804,067, C>T on the plus strand (G>A on the coding strand, the complement: NLRP12 is on the minus strand). VCF-style: chr19-53804067-C-T. GRCh37 (hg19) VCF-style: chr19-54307321-C-T.
Other names: c.2473G>A, p.Gly825Ser (NM_001277126.2); c.2470G>A, p.Gly824Ser (NM_001277129.1); short protein forms G824S, G825S.
Identifiers: ClinVar variation 1694412 (VCV001694412.4), dbSNP rs372647059, ClinGen allele CA9639062.